The following is an entry in ClinVar:

NM_152703.5(SAMD9L):c.3548A>T (p.Gln1183Leu)

Gene: SAMD9L (sterile alpha motif domain containing 9 like; minus strand). Cytogenetic location: 7q21.2.
Variant type: single nucleotide variant.
Coding change: c.3548A>T on transcript NM_152703.5 (MANE Select); coding-DNA position 3548, A replaced by T.
Protein change: p.Gln1183Leu; replaces glutamine 1183 with leucine.
Molecular consequence: missense variant.
Genome position (GRCh38, 1-based): chr7:93,132,424, T>A on the plus strand (A>T on the coding strand, the complement: SAMD9L is on the minus strand). VCF-style: chr7-93132424-T-A. GRCh37 (hg19) VCF-style: chr7-92761737-T-A.
Other names: c.3548A>T, p.Gln1183Leu (NM_001303496.3, NM_001303497.3, NM_001303498.3 and 5 more transcripts); short protein forms Q1183L.
Identifiers: ClinVar variation 4630066 (VCV004630066.1).

ClinVar aggregate classification (germline): Uncertain significance (1 of 4 stars; one submission).

Conditions:
Inborn genetic diseases. Identifiers: MedGen C0950123, MeSH D030342.

Submission:

Ambry Genetics
Classification: Uncertain significance for Inborn genetic diseases. Last evaluated: 2025-10-17. Review status: criteria provided, single submitter. Criteria: Ambry Variant Classification Scheme 2023. Collection method: clinical testing. Allele origin: germline.
Comment: The p.Q1183L variant (also known as c.3548A>T), located in coding exon 1 of the SAMD9L gene, results from an A to T substitution at nucleotide position 3548. The glutamine at codon 1183 is replaced by leucine, an amino acid with dissimilar properties. This amino acid position is conserved. In addition, this alteration is predicted to be tolerated by in silico analysis. Based on the available evidence, the clinical significance of this variant remains unclear.